The following is an entry in ClinVar:

NM_000069.3(CACNA1S):c.1839G>C (p.Gly613=)

Gene: CACNA1S (calcium voltage-gated channel subunit alpha1 S; minus strand). Cytogenetic location: 1q32.1.
Variant type: single nucleotide variant.
Coding change: c.1839G>C on transcript NM_000069.3 (MANE Select); coding-DNA position 1839, G replaced by C.
Protein change: p.Gly613=; no amino-acid change (glycine 613 retained).
Molecular consequence: synonymous variant.
Genome position (GRCh38, 1-based): chr1:201,075,604, C>G on the plus strand (G>C on the coding strand, the complement: CACNA1S is on the minus strand). VCF-style: chr1-201075604-C-G. GRCh37 (hg19) VCF-style: chr1-201044732-C-G.
Identifiers: ClinVar variation 3075415 (VCV003075415.1), dbSNP rs2102140328, ClinGen allele CA422689089.

ClinVar aggregate classification (germline): Likely benign (1 of 4 stars; one submission).

Conditions:
Malignant hyperthermia, susceptibility to, 5 (MHS5). Also called: CACNA1S-Related Malignant Hyperthermia Susceptibility. Identifiers: Orphanet 423, MedGen C1866077, MONDO:0011163, OMIM 601887.

Submission:

All of Us Research Program, National Institutes of Health
Classification: Likely benign for Malignant hyperthermia, susceptibility to, 5. Last evaluated: 2024-02-05. Review status: criteria provided, single submitter. Criteria: ACMG Guidelines, 2015. Collection method: clinical testing. Allele origin: germline. Inheritance: Autosomal dominant inheritance. Observed: 1 variant allele, 1 heterozygote.
Comment: This study involves interpretation of variants in research participants for the purpose of population health screening. Participant phenotype was not available at the time of variant classification. Additional details can be found in publication PMID: 35346344, PMCID: PMC8962531